The following is an entry in ClinVar:

ClinVar aggregate classification (germline): Uncertain significance (1 of 4 stars; one submission).

Conditions:
Autosomal dominant Parkinson disease 8. Also called: LRRK2-Related Parkinson Disease; Parkinson disease 8; Parkinson disease 8, susceptibility to. Identifiers: Orphanet 411602, MedGen C1846862, MONDO:0011764, OMIM 607060.

Allele frequency attached by ClinVar (database versions not stated): gnomAD exomes below 0.00001.
gnomAD v4.1: 1 of 1,590,460 alleles (0.000063%); highest among the groups gnomAD compares: Non-Finnish European, 0.000086%; no homozygotes.

Submission:

Labcorp Genetics (formerly Invitae), Labcorp
Classification: Uncertain significance for Autosomal dominant Parkinson disease 8. Last evaluated: 2022-03-21. Review status: criteria provided, single submitter. Criteria: Invitae Variant Classification Sherloc (09022015). Collection method: clinical testing. Allele origin: germline.
Comment: This sequence change falls in intron 48 of the LRRK2 gene. It does not directly change the encoded amino acid sequence of the LRRK2 protein. This variant is not present in population databases (gnomAD no frequency). This variant has not been reported in the literature in individuals affected with LRRK2-related conditions. Algorithms developed to predict the effect of sequence changes on RNA splicing suggest that this variant may disrupt the consensus splice site. In summary, the available evidence is currently insufficient to determine the role of this variant in disease. Therefore, it has been classified as a Variant of Uncertain Significance.

NM_198578.4(LRRK2):c.7182-8G>A

Gene: LRRK2 (leucine rich repeat kinase 2; plus strand). Cytogenetic location: 12q12.
Variant type: single nucleotide variant.
Coding change: c.7182-8G>A on transcript NM_198578.4 (MANE Select); 8 bases into the intron before coding-DNA position 7182, G replaced by A.
Molecular consequence: intron variant.
Genome position (GRCh38, 1-based): chr12:40,364,834, G>A. VCF-style: chr12-40364834-G-A. GRCh37 (hg19) VCF-style: chr12-40758636-G-A.
Identifiers: ClinVar variation 2115476 (VCV002115476.4), dbSNP rs2500036923, ClinGen allele CA2580085428.